The following is an entry in ClinVar:

ClinVar aggregate classification (germline): Conflicting classifications of pathogenicity. Review status: criteria provided, conflicting classifications (1 of 4 stars). 8 submissions from 8 submitters: Uncertain significance (5); Benign (1); Likely benign (1). 1 of the submissions does not count toward it. Last evaluated 2026-06-16.

Conditions:
ABCC6-related disorder. Also called: ABCC6-related condition.
Arterial calcification, generalized, of infancy, 2. Identifiers: Orphanet 51608, MedGen C3276161, MONDO:0013768, OMIM 614473.
Autosomal recessive inherited pseudoxanthoma elasticum (PXE). Identifiers: Orphanet 758, MedGen CN032334, MONDO:0009925, OMIM 264800.
Pseudoxanthoma elasticum, forme fruste. Also called: Pseudoxanthoma Elasticum, Incomplete; PSEUDOXANTHOMA ELASTICUM, HETEROZYGOUS. Identifiers: Orphanet 758, MedGen C1867450, MONDO:0008333, OMIM 177850.

Allele frequency attached by ClinVar (database versions not stated): ESP Exome Variant Server 0.00031; gnomAD exomes 0.00038 and 0.00060; TOPMed 0.00043; gnomAD 0.00044; ExAC 0.00057.
gnomAD v4.1: 656 of 1,613,516 alleles (0.041%); highest among the groups gnomAD compares: Middle Eastern, 0.13%; 2 homozygotes.

Submissions (8):

PreventionGenetics, part of Exact Sciences
Classification: Uncertain significance for ABCC6-related condition. Last evaluated: 2026-06-16. Review status: criteria provided, single submitter. Criteria: ACMG Guidelines, 2015. Collection method: clinical testing. Allele origin: germline.
Comment: The ABCC6 c.2359G>A variant is predicted to result in the amino acid substitution p.Val787Ile. This variant has been observed in the compound heterozygous state in an individual with pseudoxanthoma elasticum (Supplemental 2, Pfendner et al. 2007. PubMed ID: 17617515). Biochemical analysis determined this variant results in protein folding and trafficking similar to the wild type protein (Ran et al. 2018. PubMed ID: 30154241). Another study described this variant as potentially pathogenic but with extremely low penetrance of approximately 6.5% (Szeri et al. 2022. PubMed ID: 36317459). The authors noted that the c.2359G>A variant was present in very few individuals tested. This variant is reported in 0.67% of alleles in individuals of Ashkenazi Jewish descent in gnomAD, which is likely too common to be a primary cause of disease. Although we suspect that this variant may be benign, at this time, the clinical significance of this variant is uncertain due to the absence of conclusive functional and genetic evidence.

Labcorp Genetics (formerly Invitae), Labcorp
Classification: Benign. Last evaluated: 2026-01-29. Review status: criteria provided, single submitter. Criteria: Invitae Variant Classification Sherloc (09022015). Collection method: clinical testing. Allele origin: germline.

Blueprint Genetics
Classification: Likely benign. Last evaluated: 2024-10-23. Review status: criteria provided, single submitter. Criteria: ACMG Guidelines, 2015. Collection method: clinical testing. Allele origin: germline.

Fulgent Genetics
Classification: Uncertain significance for Pseudoxanthoma elasticum, forme fruste; Autosomal recessive inherited pseudoxanthoma elasticum; Arterial calcification, generalized, of infancy, 2. Last evaluated: 2024-02-29. Review status: criteria provided, single submitter. Criteria: ACMG Guidelines, 2015. Collection method: clinical testing. Allele origin: germline.

Department of Pathology and Laboratory Medicine, Sinai Health System
Classification: Uncertain significance for autosomal recessive inherited pseudoxanthoma elasticum. Last evaluated: 2023-07-28. Review status: criteria provided, single submitter. Criteria: ACMG Guidelines, 2015. Collection method: research. Allele origin: germline.

CeGaT Center for Human Genetics Tuebingen
Classification: Uncertain significance. Last evaluated: 2019-06-01. Review status: criteria provided, single submitter. Criteria: CeGaT Center For Human Genetics Tuebingen Variant Classification Criteria Version 2. Collection method: clinical testing. Allele origin: germline. Affected: yes. Observed: 1 variant allele.

GeneDx
Classification: Uncertain significance. Last evaluated: 2018-06-15. Review status: criteria provided, single submitter. Criteria: GeneDx Variant Classification (06012015). Collection method: clinical testing. Allele origin: germline. Affected: yes.
Comment: The V787I variant has been published previously in association with PXE (Pfendner et al., 2007). The variant is located in the first ATP binding domain, which is highly conserved and is required for the function of the MRP6 protein. However, the variant is observed in 74/10130 (0.7305%) alleles from individuals of Ashkenazi Jewish background and in 37/30782 (0.1202%) alleles from individuals of South Asian background in large population cohorts (Lek et al., 2016). V787I is a conservative amino acid substitution, which is not likely to impact secondary protein structure as these residues share similar properties. In-silico analyses, including protein predictors and evolutionary conservation, support that this variant does not alter protein structure/function. In summary, based on the currently available information, it is unclear whether this variant is a pathogenic variant or a rare benign variant.

Reproductive Health Research and Development, BGI Genomics
Classification: Uncertain significance for Pseudoxanthoma elasticum. Last evaluated: 2020-01-06. Review status: no assertion criteria provided. Collection method: curation. Allele origin: germline. Not counted in ClinVar's aggregate classification.
Comment: NM_001171.5:c.2359G>A in the ABCC6 gene has an allele frequency of 0.007 in Ashkenazi Jewish subpopulation in the gnomAD database. Pathogenic computational verdict because pathogenic predictions from DANN, EIGEN, FATHMM-MKL, M-CAP, MutationTaster, REVEL and SIFT. Functional studies have shown that V787I trafficked at levels similar to wildtype (PMID: 30154241; 17617515). We interpret it as variant of uncertain significance (VUS). ACMG/AMP criteria applied: BS3, PP3.

NM_001171.6(ABCC6):c.2359G>A (p.Val787Ile)

Gene: ABCC6 (ATP binding cassette subfamily C member 6; minus strand). Cytogenetic location: 16p13.11.
Variant type: single nucleotide variant.
Coding change: c.2359G>A on transcript NM_001171.6 (MANE Select); coding-DNA position 2359, G replaced by A.
Protein change: p.Val787Ile; replaces valine 787 with isoleucine.
Molecular consequence: missense variant. On other transcripts: non-coding transcript variant (1).
Genome position (GRCh38, 1-based): chr16:16,178,854, C>T on the plus strand (G>A on the coding strand, the complement: ABCC6 is on the minus strand). VCF-style: chr16-16178854-C-T. GRCh37 (hg19) VCF-style: chr16-16272711-C-T.
Other names: c.2017G>A, p.Val673Ile (NM_001351800.1); short protein forms V787I, V673I.
Identifiers: ClinVar variation 419855 (VCV000419855.56), dbSNP rs72653792, ClinGen allele CA7925951.